The following is an entry in ClinVar:

NM_138477.4(CDAN1):c.967T>C (p.Leu323=)

Gene: CDAN1 (codanin 1; minus strand). Cytogenetic location: 15q15.2.
Variant type: single nucleotide variant.
Coding change: c.967T>C on transcript NM_138477.4 (MANE Select); coding-DNA position 967, T replaced by C.
Protein change: p.Leu323=; no amino-acid change (leucine 323 retained).
Molecular consequence: synonymous variant.
Genome position (GRCh38, 1-based): chr15:42,735,351, A>G on the plus strand (T>C on the coding strand, the complement: CDAN1 is on the minus strand). VCF-style: chr15-42735351-A-G. GRCh37 (hg19) VCF-style: chr15-43027549-A-G.
Identifiers: ClinVar variation 2645256 (VCV002645256.26), dbSNP rs369627725, ClinGen allele CA7516209.

ClinVar aggregate classification (germline): Likely benign. Review status: criteria provided, multiple submitters, no conflicts (2 of 4 stars). 2 submissions from 2 submitters: Likely benign (2). Last evaluated 2024-11-18.

Allele frequency attached by ClinVar (database versions not stated): gnomAD exomes below 0.00001; ExAC 0.00002; gnomAD 0.00008; TOPMed 0.00010; ESP Exome Variant Server 0.00031.

Submissions (2):

Labcorp Genetics (formerly Invitae), Labcorp
Classification: Likely benign. Last evaluated: 2024-11-18. Review status: criteria provided, single submitter. Criteria: Invitae Variant Classification Sherloc (09022015). Collection method: clinical testing. Allele origin: germline.

CeGaT Center for Human Genetics Tuebingen
Classification: Likely benign. Last evaluated: 2022-07-01. Review status: criteria provided, single submitter. Criteria: CeGaT Center For Human Genetics Tuebingen Variant Classification Criteria Version 2. Collection method: clinical testing. Allele origin: germline. Affected: yes. Observed: 1 variant allele.
Comment: CDAN1: BP4, BP7